The following is an entry in ClinVar:

NM_004360.5(CDH1):c.834A>G (p.Gly278=)

Gene: CDH1 (cadherin 1; plus strand). Cytogenetic location: 16q22.1.
Variant type: single nucleotide variant.
Coding change: c.834A>G on transcript NM_004360.5 (MANE Select); coding-DNA position 834, A replaced by G.
Protein change: p.Gly278=; no amino-acid change (glycine 278 retained).
Molecular consequence: synonymous variant. On other transcripts: 5 prime UTR variant (2).
Genome position (GRCh38, 1-based): chr16:68,811,685, A>G. VCF-style: chr16-68811685-A-G. GRCh37 (hg19) VCF-style: chr16-68845588-A-G.
Other names: c.834A>G, p.Gly278= (NM_001317184.2); c.-782A>G (NM_001317185.2); c.-986A>G (NM_001317186.2); c.834A>G (NM_004360.4).
Identifiers: ClinVar variation 822317 (VCV000822317.13), dbSNP rs1597893922, ClinGen allele CA496152838.

ClinVar aggregate classification (germline): Conflicting classifications of pathogenicity. Review status: criteria provided, conflicting classifications (1 of 4 stars). 5 submissions from 5 submitters: Uncertain significance (1); Benign (1); Likely benign (3). Last evaluated 2025-08-24.

Conditions:
Hereditary diffuse gastric adenocarcinoma (HDGC). Also called: DIFFUSE GASTRIC AND LOBULAR BREAST CANCER SYNDROME. Identifiers: Orphanet 26106, MedGen C1708349, MONDO:0007648, OMIM 137215.
Hereditary cancer-predisposing syndrome. Also called: Hereditary Cancer Syndrome; Neoplastic Syndromes, Hereditary; Hereditary neoplastic syndrome; Tumor predisposition. Identifiers: Orphanet 140162, MedGen C0027672, MeSH D009386, MONDO:0015356.

Submissions (5):

Labcorp Genetics (formerly Invitae), Labcorp
Classification: Likely benign for Hereditary diffuse gastric adenocarcinoma. Last evaluated: 2025-08-24. Review status: criteria provided, single submitter. Criteria: Invitae Variant Classification Sherloc (09022015). Collection method: clinical testing. Allele origin: germline.

Color Diagnostics, LLC DBA Color Health
Classification: Likely benign for Hereditary cancer-predisposing syndrome. Last evaluated: 2025-07-25. Review status: criteria provided, single submitter. Criteria: ACMG Guidelines, 2015. Collection method: clinical testing. Allele origin: germline.

Myriad Genetics, Inc.
Classification: Benign for Hereditary diffuse gastric adenocarcinoma. Last evaluated: 2024-09-16. Review status: criteria provided, single submitter. Criteria: Myriad Autosomal Dominant, Autosomal Recessive and X-Linked Classification Criteria (2023). Collection method: clinical testing. Allele origin: unknown.
Comment: This variant is considered benign. This variant is a silent/synonymous amino acid change and it is not expected to impact splicing.

European Reference Network on Genetic Tumour Risk Syndromes (ERN-GENTURIS), i3s - Instituto de Investigação e Inovação em Saúde, University of Porto
Classification: Uncertain significance for Hereditary diffuse gastric adenocarcinoma. Last evaluated: 2022-08-01. Review status: criteria provided, single submitter. Criteria: Lee et al. (Hum Mutat. 2018). Collection method: clinical testing. Allele origin: germline. Inheritance: Autosomal dominant inheritance. Affected: no. Study: ERN GENTURIS.
Comment: PM2 (PMID: 30311375)

Ambry Genetics
Classification: Likely benign for Hereditary cancer-predisposing syndrome. Last evaluated: 2018-05-17. Review status: criteria provided, single submitter. Criteria: Ambry Variant Classification Scheme 2023. Collection method: clinical testing. Allele origin: germline.

Literature cited by the submitters: PubMed 36436516 (cited by European Reference Network on Genetic Tumour Risk Syndromes (ERN-GENTURIS), i3s - Instituto de Investigação e Inovação em Saúde, University of Porto).